The following is an entry in ClinVar:

ClinVar aggregate classification (germline): Uncertain significance (1 of 4 stars; one submission).

Allele frequency attached by ClinVar (database versions not stated): gnomAD exomes below 0.00001.
gnomAD v4.1: 1 of 1,613,872 alleles (0.000062%); highest among the groups gnomAD compares: Non-Finnish European, 0.000085%; no homozygotes.

Submission:

Ambry Genetics
Classification: Uncertain significance. Last evaluated: 2024-03-02. Review status: criteria provided, single submitter. Criteria: Ambry Variant Classification Scheme 2023. Collection method: clinical testing. Allele origin: germline.
Comment: The p.P4A variant (also known as c.10C>G), located in coding exon 1 of the NPAT gene, results from a C to G substitution at nucleotide position 10. The proline at codon 4 is replaced by alanine, an amino acid with highly similar properties. This amino acid position is conserved. In addition, the in silico prediction for this alteration is inconclusive. Since supporting evidence is limited at this time, the clinical significance of this alteration remains unclear.

NM_002519.3(NPAT):c.10C>G (p.Pro4Ala)

Gene: NPAT (nuclear protein, coactivator of histone transcription; minus strand). Cytogenetic location: 11q22.3.
Variant type: single nucleotide variant.
Coding change: c.10C>G on transcript NM_002519.3 (MANE Select); coding-DNA position 10, C replaced by G.
Protein change: p.Pro4Ala; replaces proline 4 with alanine.
Molecular consequence: missense variant.
Genome position (GRCh38, 1-based): chr11:108,222,527, G>C on the plus strand (C>G on the coding strand, the complement: NPAT is on the minus strand). VCF-style: chr11-108222527-G-C. GRCh37 (hg19) VCF-style: chr11-108093254-G-C.
Other names: c.10C>G, p.Pro4Ala (NM_001321307.1); short protein forms P4A.
Identifiers: ClinVar variation 1791979 (VCV001791979.2), dbSNP rs905047784, ClinGen allele CA228363539.